The following is an entry in ClinVar:

ClinVar aggregate classification (germline): Uncertain significance (1 of 4 stars; one submission).

Submission:

GeneDx
Classification: Uncertain significance. Last evaluated: 2026-02-04. Review status: criteria provided, single submitter. Criteria: GeneDx Variant Classification Process June 2021. Collection method: clinical testing. Allele origin: germline.
Comment: Not observed at significant frequency in large population cohorts (gnomAD); In silico analysis suggests that this missense variant does not alter protein structure/function; Has not been previously published as pathogenic or benign to our knowledge

NM_000168.6(GLI3):c.474G>A (p.Met158Ile)

Gene: GLI3 (GLI family zinc finger 3; minus strand). Cytogenetic location: 7p14.1.
Variant type: single nucleotide variant.
Coding change: c.474G>A on transcript NM_000168.6 (MANE Select); coding-DNA position 474, G replaced by A.
Protein change: p.Met158Ile; replaces methionine 158 with isoleucine.
Molecular consequence: missense variant.
Genome position (GRCh38, 1-based): chr7:42,048,696, C>T on the plus strand (G>A on the coding strand, the complement: GLI3 is on the minus strand). VCF-style: chr7-42048696-C-T. GRCh37 (hg19) VCF-style: chr7-42088295-C-T.
Other names: short protein forms M158I.
Identifiers: ClinVar variation 3364550 (VCV003364550.2).